The following is an entry in ClinVar:

NM_005465.7(AKT3):c.16A>G (p.Ile6Val)

Gene: AKT3 (AKT serine/threonine kinase 3; minus strand). Cytogenetic location: 1q44.
Variant type: single nucleotide variant.
Coding change: c.16A>G on transcript NM_005465.7 (MANE Select); coding-DNA position 16, A replaced by G.
Protein change: p.Ile6Val; replaces isoleucine 6 with valine.
Molecular consequence: missense variant.
Genome position (GRCh38, 1-based): chr1:243,843,155, T>C on the plus strand (A>G on the coding strand, the complement: AKT3 is on the minus strand). VCF-style: chr1-243843155-T-C. GRCh37 (hg19) VCF-style: chr1-244006457-T-C.
Other names: c.16A>G, p.Ile6Val (NM_001206729.2, NM_001370074.1, NM_181690.2); short protein forms I6V.
Identifiers: ClinVar variation 1281311 (VCV001281311.8), dbSNP rs750279631, ClinGen allele CA1484212.

ClinVar aggregate classification (germline): Conflicting classifications of pathogenicity. Review status: criteria provided, conflicting classifications (1 of 4 stars). 3 submissions from 3 submitters: Uncertain significance (1); Benign (1); Likely benign (1). Last evaluated 2025-02-04.

Conditions:
Megalencephaly-polymicrogyria-polydactyly-hydrocephalus syndrome 2 (MPPH2). Also called: MEGALENCEPHALY-POLYMICROGYRIA-POLYDACTYLY-HYDROCEPHALUS SYNDROME 2, SOMATIC. Identifiers: Orphanet 83473, MedGen C4014738, MONDO:0014407, OMIM 615937.
Inborn genetic diseases. Identifiers: MedGen C0950123, MeSH D030342.

Allele frequency attached by ClinVar (database versions not stated): ExAC 0.00001; gnomAD exomes 0.00001 and 0.00004; TOPMed 0.00002.
gnomAD v4.1: 15 of 1,614,006 alleles (0.00093%); highest among the groups gnomAD compares: Admixed American, 0.02%; no homozygotes.

Submissions (3):

Labcorp Genetics (formerly Invitae), Labcorp
Classification: Uncertain significance for Megalencephaly-polymicrogyria-polydactyly-hydrocephalus syndrome 2. Last evaluated: 2025-02-04. Review status: criteria provided, single submitter. Criteria: Invitae Variant Classification Sherloc (09022015). Collection method: clinical testing. Allele origin: germline.
Comment: This sequence change replaces isoleucine, which is neutral and non-polar, with valine, which is neutral and non-polar, at codon 6 of the AKT3 protein (p.Ile6Val). This variant is present in population databases (rs750279631, gnomAD 0.03%). This variant has not been reported in the literature in individuals affected with AKT3-related conditions. ClinVar contains an entry for this variant (Variation ID: 1281311). Invitae Evidence Modeling of protein sequence and biophysical properties (such as structural, functional, and spatial information, amino acid conservation, physicochemical variation, residue mobility, and thermodynamic stability) indicates that this missense variant is not expected to disrupt AKT3 protein function with a negative predictive value of 95%. In summary, the available evidence is currently insufficient to determine the role of this variant in disease. Therefore, it has been classified as a Variant of Uncertain Significance.

Ambry Genetics
Classification: Likely benign for Inborn genetic diseases. Last evaluated: 2022-04-12. Review status: criteria provided, single submitter. Criteria: Ambry Variant Classification Scheme 2023. Collection method: clinical testing. Allele origin: germline.

GeneDx
Classification: Benign. Last evaluated: 2019-07-19. Review status: criteria provided, single submitter. Criteria: GeneDx Variant Classification Process June 2021. Collection method: clinical testing. Allele origin: germline. Affected: yes.